The following is an entry in ClinVar:

ClinVar aggregate classification (germline): Uncertain significance. Review status: criteria provided, multiple submitters, no conflicts (2 of 4 stars). 2 submissions from 2 submitters: Uncertain significance (2). Last evaluated 2026-02-01.

Conditions:
Spastic paraplegia. Identifiers: MedGen C0037772, HP:0001258.

Allele frequency attached by ClinVar (database versions not stated): gnomAD exomes below 0.00001.
gnomAD v4.1: 1 of 1,614,062 alleles (0.000062%); highest among the groups gnomAD compares: Non-Finnish European, 0.000085%; no homozygotes.

Submissions (2):

CeGaT Center for Human Genetics Tuebingen
Classification: Uncertain significance. Last evaluated: 2026-02-01. Review status: criteria provided, single submitter. Criteria: CeGaT Center For Human Genetics Tuebingen Variant Classification Criteria Version 2. Collection method: clinical testing. Allele origin: germline. Affected: yes. Observed: 1 variant allele.
Comment: ERLIN2: PM2, PP3

Labcorp Genetics (formerly Invitae), Labcorp
Classification: Uncertain significance for Spastic paraplegia. Last evaluated: 2024-09-14. Review status: criteria provided, single submitter. Criteria: Invitae Variant Classification Sherloc (09022015). Collection method: clinical testing. Allele origin: germline.
Comment: This sequence change replaces asparagine, which is neutral and polar, with aspartic acid, which is acidic and polar, at codon 93 of the ERLIN2 protein (p.Asn93Asp). This variant is not present in population databases (gnomAD no frequency). This variant has not been reported in the literature in individuals affected with ERLIN2-related conditions. ClinVar contains an entry for this variant (Variation ID: 458242). Invitae Evidence Modeling of protein sequence and biophysical properties (such as structural, functional, and spatial information, amino acid conservation, physicochemical variation, residue mobility, and thermodynamic stability) indicates that this missense variant is expected to disrupt ERLIN2 protein function with a positive predictive value of 80%. In summary, the available evidence is currently insufficient to determine the role of this variant in disease. Therefore, it has been classified as a Variant of Uncertain Significance.

NM_007175.8(ERLIN2):c.277A>G (p.Asn93Asp)

Gene: ERLIN2 (ER lipid raft associated 2; plus strand). Cytogenetic location: 8p11.23.
Variant type: single nucleotide variant.
Coding change: c.277A>G on transcript NM_007175.8 (MANE Select); coding-DNA position 277, A replaced by G.
Protein change: p.Asn93Asp; replaces asparagine 93 with aspartic acid.
Molecular consequence: missense variant.
Genome position (GRCh38, 1-based): chr8:37,744,395, A>G. VCF-style: chr8-37744395-A-G. GRCh37 (hg19) VCF-style: chr8-37601913-A-G.
Other names: c.277A>G, p.Asn93Asp (NM_001003790.4, NM_001003791.3, NM_001362878.2 and 1 more transcripts); short protein forms N93D.
Identifiers: ClinVar variation 458242 (VCV000458242.9), dbSNP rs1554516498, ClinGen allele CA370651919.